The following is an entry in ClinVar:

NM_201384.3(PLEC):c.3931A>C (p.Ser1311Arg)

Gene: PLEC (plectin; minus strand). Cytogenetic location: 8q24.3.
Variant type: single nucleotide variant.
Coding change: c.3931A>C on transcript NM_201384.3 (MANE Select); coding-DNA position 3931, A replaced by C.
Protein change: p.Ser1311Arg; replaces serine 1311 with arginine.
Molecular consequence: missense variant.
Genome position (GRCh38, 1-based): chr8:143,926,991, T>G on the plus strand (A>C on the coding strand, the complement: PLEC is on the minus strand). VCF-style: chr8-143926991-T-G. GRCh37 (hg19) VCF-style: chr8-145001159-T-G.
Other names: c.4012A>C, p.Ser1338Arg (NM_000445.5, NM_001410941.1); c.3889A>C, p.Ser1297Arg (NM_201378.4); c.3865A>C, p.Ser1289Arg (NM_201379.3); c.4342A>C, p.Ser1448Arg (NM_201380.4); c.3835A>C, p.Ser1279Arg (NM_201381.3); c.3931A>C, p.Ser1311Arg (NM_201382.4); c.3943A>C, p.Ser1315Arg (NM_201383.3); short protein forms S1279R, S1289R, S1297R, S1311R, S1315R, S1338R, S1448R.
Identifiers: ClinVar variation 3756240 (VCV003756240.2).

ClinVar aggregate classification (germline): Uncertain significance (1 of 4 stars; one submission).

Conditions:
Epidermolysis bullosa simplex with nail dystrophy (EBS5D). Identifiers: MedGen C4225309, MONDO:0014661, OMIM 616487.
Epidermolysis bullosa simplex, Ogna type (EBS5A). Also called: Pidermolysis bullosa simplex 5A, Ogna type; EPIDERMOLYSIS BULLOSA SIMPLEX 5A, OGNA TYPE. Identifiers: Orphanet 79401, MedGen C0432317, MONDO:0007555, OMIM 131950.
Autosomal recessive limb-girdle muscular dystrophy type 2Q (LGMDR17). Also called: MUSCULAR DYSTROPHY, LIMB-GIRDLE, AUTOSOMAL RECESSIVE 17. Identifiers: Orphanet 254361, MedGen C3150989, MONDO:0013390, OMIM 613723.
Epidermolysis bullosa simplex 5B, with muscular dystrophy (EBS5B). Also called: EPIDERMOLYSIS BULLOSA SIMPLEX AND LIMB-GIRDLE MUSCULAR DYSTROPHY; Epidermolysis bullosa simplex with muscular dystrophy. Identifiers: Orphanet 257, MedGen C2931072, MONDO:0009181, OMIM 226670.
Epidermolysis bullosa simplex 5C, with pyloric atresia (EBS5C). Also called: PLEC-Related Epidermolysis Bullosa with Pyloric Atresia; Epidermolysis bullosa simplex with pyloric atresia; PLEC1-Related Epidermolysis Bullosa with Pyloric Atresia. Identifiers: Orphanet 158684, MedGen C2677349, MONDO:0012807, OMIM 612138.

gnomAD v4.1: 6 of 1,613,084 alleles (0.00037%); highest among the groups gnomAD compares: Non-Finnish European, 0.00042%; no homozygotes.

Submission:

Labcorp Genetics (formerly Invitae), Labcorp
Classification: Uncertain significance for Autosomal recessive limb-girdle muscular dystrophy type 2Q; Epidermolysis bullosa simplex, Ogna type; Epidermolysis bullosa simplex with nail dystrophy; Epidermolysis bullosa simplex 5C, with pyloric atresia; Epidermolysis bullosa simplex 5B, with muscular dystrophy. Last evaluated: 2024-07-10. Review status: criteria provided, single submitter. Criteria: Invitae Variant Classification Sherloc (09022015). Collection method: clinical testing. Allele origin: germline.
Comment: This sequence change replaces serine, which is neutral and polar, with arginine, which is basic and polar, at codon 1338 of the PLEC protein (p.Ser1338Arg). This variant is not present in population databases (gnomAD no frequency). This variant has not been reported in the literature in individuals affected with PLEC-related conditions. Advanced modeling of protein sequence and biophysical properties (such as structural, functional, and spatial information, amino acid conservation, physicochemical variation, residue mobility, and thermodynamic stability) performed at Invitae indicates that this missense variant is not expected to disrupt PLEC protein function with a negative predictive value of 80%. In summary, the available evidence is currently insufficient to determine the role of this variant in disease. Therefore, it has been classified as a Variant of Uncertain Significance.